The following is an entry in ClinVar:

NM_033159.4(HYAL1):c.400C>T (p.Arg134Cys)

Gene: HYAL1 (hyaluronidase 1; minus strand). Cytogenetic location: 3p21.31.
Variant type: single nucleotide variant.
Coding change: c.400C>T on transcript NM_033159.4 (MANE Select); coding-DNA position 400, C replaced by T.
Protein change: p.Arg134Cys; replaces arginine 134 with cysteine.
Molecular consequence: missense variant. On other transcripts: 5 prime UTR variant (1), non-coding transcript variant (1), intron variant (1).
Genome position (GRCh38, 1-based): chr3:50,302,557, G>A on the plus strand (C>T on the coding strand, the complement: HYAL1 is on the minus strand). VCF-style: chr3-50302557-G-A. GRCh37 (hg19) VCF-style: chr3-50339988-G-A.
Other names: c.400C>T, p.Arg134Cys (NM_007312.3, NM_153281.2, NM_153282.3); c.-147C>T (NM_153283.3); c.-26-352C>T (NM_153285.3); short protein forms R134C.
Identifiers: ClinVar variation 2154071 (VCV002154071.1), dbSNP rs782020030, ClinGen allele CA2415960.

ClinVar aggregate classification (germline): Uncertain significance (1 of 4 stars; one submission).

Conditions:
Deficiency of hyaluronoglucosaminidase (MPS9). Also called: MPS IX; Mucopolysaccharidosis type 9; HYALURONIDASE DEFICIENCY. Identifiers: Orphanet 67041, MedGen C1291490, MONDO:0011093, OMIM 601492.

Allele frequency attached by ClinVar (database versions not stated): gnomAD 0.00001; TOPMed 0.00001; gnomAD exomes 0.00002; ExAC 0.00003.

Submission:

Labcorp Genetics (formerly Invitae), Labcorp
Classification: Uncertain significance for Deficiency of hyaluronoglucosaminidase. Last evaluated: 2022-08-23. Review status: criteria provided, single submitter. Criteria: Invitae Variant Classification Sherloc (09022015). Collection method: clinical testing. Allele origin: germline.
Comment: This sequence change replaces arginine, which is basic and polar, with cysteine, which is neutral and slightly polar, at codon 134 of the HYAL1 protein (p.Arg134Cys). This variant is present in population databases (rs782020030, gnomAD 0.02%). This variant has not been reported in the literature in individuals affected with HYAL1-related conditions. Algorithms developed to predict the effect of missense changes on protein structure and function (SIFT, PolyPhen-2, Align-GVGD) all suggest that this variant is likely to be disruptive. Algorithms developed to predict the effect of sequence changes on RNA splicing suggest that this variant may create or strengthen a splice site. In summary, the available evidence is currently insufficient to determine the role of this variant in disease. Therefore, it has been classified as a Variant of Uncertain Significance.